The following is an entry in ClinVar:

ClinVar aggregate classification (germline): Uncertain significance (1 of 4 stars; one submission).

Submission:

Labcorp Genetics (formerly Invitae), Labcorp
Classification: Uncertain significance. Last evaluated: 2022-07-29. Review status: criteria provided, single submitter. Criteria: Invitae Variant Classification Sherloc (09022015). Collection method: clinical testing. Allele origin: germline.
Comment: This variant has not been reported in the literature in individuals affected with RIMS1-related conditions. In summary, the available evidence is currently insufficient to determine the role of this variant in disease. Therefore, it has been classified as a Variant of Uncertain Significance. This variant is not present in population databases (gnomAD no frequency). This variant, c.581_583dup, results in the insertion of 1 amino acid(s) of the RIMS1 protein (p.Ser194_Asp195insGly), but otherwise preserves the integrity of the reading frame.

NM_014989.7(RIMS1):c.581_583dup (p.Ser194_Asp195insGly)

Gene: RIMS1 (regulating synaptic membrane exocytosis 1; plus strand). Cytogenetic location: 6q13.
Variant type: Duplication.
Coding change: c.581_583dup on transcript NM_014989.7 (MANE Select); coding-DNA positions 581 to 583, 3 bases duplicated (GTG; older notation c.581_583dupGTG).
Protein change: p.Ser194_Asp195insGly.
Molecular consequence: inframe insertion.
Genome position (GRCh38, 1-based): chr6:72,179,684-72,179,686, GTG duplicated. VCF-style (leftmost placement, unchanged base first): chr6-72179683-A-AGTG. GRCh37 (hg19) VCF-style: chr6-72889386-A-AGTG.
Identifiers: ClinVar variation 2091771 (VCV002091771.4), dbSNP rs2551800342, ClinGen allele CA451114896.